The following is an entry in ClinVar:

NM_000038.6(APC):c.1312+1041C>T

Gene: APC (APC regulator of WNT signaling pathway; plus strand). Cytogenetic location: 5q22.2.
Variant type: single nucleotide variant.
Coding change: c.1312+1041C>T on transcript NM_000038.6 (MANE Select); 1041 bases into the intron after coding-DNA position 1312, C replaced by T.
Molecular consequence: intron variant.
Genome position (GRCh38, 1-based): chr5:112,820,385, C>T. VCF-style: chr5-112820385-C-T. GRCh37 (hg19) VCF-style: chr5-112156082-C-T.
Other names: c.1312+1041C>T (NM_001354895.2, NM_001127510.3, NM_001354896.2); c.1342+1041C>T (NM_001354897.2); c.1039+1041C>T (NM_001354902.2); c.1258+1041C>T (NM_001127511.3); c.1237+1041C>T (NM_001354898.2); c.934+1041C>T (NM_001354904.2); c.463+1041C>T (NM_001354906.2); c.1009+1041C>T (NM_001354903.2); and 3 more.
Identifiers: ClinVar variation 83130 (VCV000083130.2), dbSNP rs76855953, ClinGen allele CA004156.

ClinVar aggregate classification (germline): other (0 of 4 stars; one submission).

Conditions:
Familial colorectal cancer. Identifiers: MedGen CN280943, MONDO:0023113. Disease mechanism: loss of function.

Submission:

Systems Biology Platform Zhejiang California International NanoSystems Institute
Classification: other for Familial colorectal cancer. Review status: no assertion criteria provided. Collection method: not provided. Allele origin: unknown.
ClinVar note: Converted during submission from cancer to other.